The following is an entry in ClinVar:

ClinVar aggregate classification (germline): Uncertain significance (1 of 4 stars; one submission).

Conditions:
Cardiovascular phenotype. Identifiers: MedGen CN230736.

gnomAD v4.1: 1 of 1,614,044 alleles (0.000062%); highest among the groups gnomAD compares: African/African-American, 0.0013%; no homozygotes.

Submission:

Ambry Genetics
Classification: Uncertain significance for Cardiovascular phenotype. Last evaluated: 2026-05-28. Review status: criteria provided, single submitter. Criteria: Ambry Variant Classification Scheme 2023. Collection method: clinical testing. Allele origin: germline.
Comment: The p.F66V variant (also known as c.196T>G), located in coding exon 1 of the GDF2 gene, results from a T to G substitution at nucleotide position 196. The phenylalanine at codon 66 is replaced by valine, an amino acid with highly similar properties. This amino acid position is conserved. Based on the available evidence, the clinical significance of this variant remains unclear.

NM_016204.4(GDF2):c.196T>G (p.Phe66Val)

Gene: GDF2 (growth differentiation factor 2; plus strand). Cytogenetic location: 10q11.22.
Variant type: single nucleotide variant.
Coding change: c.196T>G on transcript NM_016204.4 (MANE Select); coding-DNA position 196, T replaced by G.
Protein change: p.Phe66Val; replaces phenylalanine 66 with valine.
Molecular consequence: missense variant.
Genome position (GRCh38, 1-based): chr10:47,322,864, T>G. VCF-style: chr10-47322864-T-G. GRCh37 (hg19) VCF-style: chr10-48416498-A-C.
Other names: short protein forms F66V.
Identifiers: ClinVar variation 4857923 (VCV004857923.1).